The following is an entry in ClinVar:

ClinVar aggregate classification (germline): Likely benign (1 of 4 stars; one submission).

Allele frequency attached by ClinVar (database versions not stated): gnomAD 0.00005 and 0.00001; gnomAD exomes 0.00006 and 0.00013; ExAC 0.00007; 1000 Genomes Project 30x 0.00016; TOPMed 0.00001; 1000 Genomes Project 0.00020.

Submission:

GeneDx
Classification: Likely benign. Last evaluated: 2017-03-28. Review status: criteria provided, single submitter. Criteria: GeneDx Variant Classification (06012015). Collection method: clinical testing. Allele origin: germline. Affected: yes.
Comment: This variant is considered likely benign or benign based on one or more of the following criteria: it is a conservative change, it occurs at a poorly conserved position in the protein, it is predicted to be benign by multiple in silico algorithms, and/or has population frequency not consistent with disease.

NM_002225.3(IVD):c.-27C>T

Gene: IVD (isovaleryl-CoA dehydrogenase; plus strand). Cytogenetic location: 15q15.1.
Variant type: single nucleotide variant.
Coding change: c.-27C>T on transcript NM_002225.3; 27 bases upstream of the start codon, C replaced by T.
Genome position (GRCh38, 1-based): chr15:40,405,792, C>T. VCF-style: chr15-40405792-C-T. GRCh37 (hg19) VCF-style: chr15-40697993-C-T.
Identifiers: ClinVar variation 507985 (VCV000507985.3), dbSNP rs545229523, ClinGen allele CA7480445.